The following is an entry in ClinVar:

NM_005639.3(SYT1):c.532T>A (p.Ser178Thr)

Gene: SYT1 (synaptotagmin 1; plus strand). Cytogenetic location: 12q21.2.
Variant type: single nucleotide variant.
Coding change: c.532T>A on transcript NM_005639.3 (MANE Select); coding-DNA position 532, T replaced by A.
Protein change: p.Ser178Thr; replaces serine 178 with threonine.
Molecular consequence: missense variant.
Genome position (GRCh38, 1-based): chr12:79,296,126, T>A. VCF-style: chr12-79296126-T-A. GRCh37 (hg19) VCF-style: chr12-79689906-T-A.
Other names: c.532T>A, p.Ser178Thr (NM_001135805.2, NM_001135806.2, NM_001415938.1 and 2 more transcripts); c.523T>A, p.Ser175Thr (NM_001291901.2, NM_001415941.1, NM_001415942.1 and 1 more transcripts); short protein forms S175T, S178T.
Identifiers: ClinVar variation 2663213 (VCV002663213.1), dbSNP rs2547658370, ClinGen allele CA385929672.
Genomic context (GRCh38, chr12:79,296,126, plus strand): 5'-CAGCTGCTGGTAGGGATCATTCAGGCTGCCGAACTGCCCGCCTTGGACATGGGGGGCACA[T>A]CTGATCCTTACGTGAAAGTGTTTCTGCTACCTGATAAGAAGAAGAAATTTGAGACAAAAG-3'
Protein context (NP_005630.1, residues 168-188): ELPALDMGGT[Ser178Thr]DPYVKVFLLP

ClinVar aggregate classification (germline): Uncertain significance (1 of 4 stars; one submission).

Submission:

GeneDx
Classification: Uncertain significance. Last evaluated: 2023-04-13. Review status: criteria provided, single submitter. Criteria: GeneDx Variant Classification Process June 2021. Collection method: clinical testing. Allele origin: germline. Affected: yes.
Comment: Not observed at significant frequency in large population cohorts (gnomAD); In silico analysis supports that this missense variant has a deleterious effect on protein structure/function; Has not been previously published as pathogenic or benign to our knowledge